The following is an entry in ClinVar:

NM_004136.4(IREB2):c.1069G>T (p.Gly357Ter)

Gene: IREB2 (iron responsive element binding protein 2; plus strand). Cytogenetic location: 15q25.1.
Variant type: single nucleotide variant.
Coding change: c.1069G>T on transcript NM_004136.4 (MANE Select); coding-DNA position 1069, G replaced by T.
Protein change: p.Gly357Ter; replaces glycine 357 with a stop codon.
Molecular consequence: nonsense. On other transcripts: 3 prime UTR variant (1).
Genome position (GRCh38, 1-based): chr15:78,476,233, G>T. VCF-style: chr15-78476233-G-T. GRCh37 (hg19) VCF-style: chr15-78768575-G-T.
Other names: c.319G>T, p.Gly107Ter (NM_001320941.2); c.898G>T, p.Gly300Ter (NM_001320942.2, NM_001354994.2); c.*2843G>T (NM_001320943.2); short protein forms G357*, G300*, G107*.
Identifiers: ClinVar variation 633461 (VCV000633461.4), dbSNP rs1566982116, ClinGen allele CA393568998.
Genomic context (GRCh38, chr15:78,476,233, plus strand): 5'-GTATTCCTTATATAGCACCTCAGGCAAGTAGGAGTGGCTGGAAAGTTTGTTGAGTTTTTT[G>T]GAAGTGGAGTTTCACAATTATCTATAGTTGATCGAACTACAATAGCAAACATGTGTCCGG-3'

ClinVar aggregate classification (germline): Likely pathogenic. Review status: criteria provided, single submitter (1 of 4 stars). 2 submissions from 2 submitters: Likely pathogenic (1). 1 of the submissions does not count toward it. Last evaluated 2019-08-22.

Conditions:
Neurodegeneration, early-onset, with choreoathetoid movements and microcytic anemia. Identifiers: MedGen C5193104, MONDO:0032758, OMIM 618451.
NEURODEGENERATION, EARLY-ONSET, WITH CHOREOATHETOSIS AND MICROCYTIC ANEMIA.

Submissions (2):

SIB Swiss Institute of Bioinformatics
Classification: Likely pathogenic for Neurodegeneration, early-onset, with choreoathetoid movements and microcytic anemia. Last evaluated: 2019-08-22. Review status: criteria provided, single submitter. Criteria: ACMG Guidelines, 2015. Collection method: curation. Allele origin: unknown.
Comment: This variant is interpreted as a Likely pathogenic for Neurodegeneration, early-onset, with choreoathetoid movements and microcytic anemia, autosomal recessive. The following ACMG Tag(s) were applied: PM2, PM4, PM1, PM3, PS3-moderate.

OMIM
Classification: Pathogenic for NEURODEGENERATION, EARLY-ONSET, WITH CHOREOATHETOSIS AND MICROCYTIC ANEMIA. Last evaluated: 2019-11-05. Review status: no assertion criteria provided. Collection method: literature only. Allele origin: germline. Not counted in ClinVar's aggregate classification.

Literature cited by the submitters: PubMed 30915432 (cited by SIB Swiss Institute of Bioinformatics and OMIM).